The following is an entry in ClinVar:

ClinVar aggregate classification (germline): Conflicting classifications of pathogenicity. Review status: criteria provided, conflicting classifications (1 of 4 stars). 2 submissions from 2 submitters: Uncertain significance (1); Likely benign (1). Last evaluated 2024-07-12.

Submissions (2):

Labcorp Genetics (formerly Invitae), Labcorp
Classification: Likely benign. Last evaluated: 2024-07-12. Review status: criteria provided, single submitter. Criteria: Invitae Variant Classification Sherloc (09022015). Collection method: clinical testing. Allele origin: germline.

Women's Health and Genetics/Laboratory Corporation of America, LabCorp
Classification: Uncertain significance. Last evaluated: 2023-08-25. Review status: criteria provided, single submitter. Criteria: LabCorp Variant Classification Summary - May 2015. Collection method: clinical testing. Allele origin: germline.
Comment: Variant summary: ZMYND11 c.1038_1039delinsGG (p.Cys347Gly) results in a non-conservative amino acid change located in the PWWP domain (IPR000313) of the encoded protein sequence. Three of four in-silico tools predict a damaging effect of the variant on protein function. The variant was absent in 251256 control chromosomes (gnomAD). The available data on variant occurrences in the general population are insufficient to allow any conclusion about variant significance. To our knowledge, no occurrence of c.1038_1039delinsGG in individuals affected with Autosomal Dominant Intellectual Disability and no experimental evidence demonstrating its impact on protein function have been reported. No submitters have cited clinical-significance assessments for this variant to ClinVar after 2014. Based on the evidence outlined above, the variant was classified as uncertain significance.

NM_001370100.5(ZMYND11):c.1038_1039delinsGG (p.Cys347Gly)

Gene: ZMYND11 (zinc finger MYND-type containing 11; plus strand). Cytogenetic location: 10p15.3.
Variant type: Indel.
Coding change: c.1038_1039delinsGG on transcript NM_001370100.5 (MANE Select); coding-DNA positions 1038 to 1039, CT replaced by GG.
Protein change: p.Cys347Gly; replaces cysteine 347 with glycine.
Molecular consequence: missense variant. On other transcripts: non-coding transcript variant (1).
Genome position (GRCh38, 1-based): chr10:246,853-246,854, CT replaced by GG. VCF-style: chr10-246853-CT-GG. GRCh37 (hg19) VCF-style: chr10-292793-CT-GG.
Other names: c.1038_1039delinsGG, p.Cys347Gly (NM_001370099.2, NM_001370101.2, NM_001370102.2 and 5 more transcripts); c.876_877delinsGG, p.Cys293Gly (NM_001370103.2, NM_001370104.2, NM_001370105.2 and 6 more transcripts); c.918_919delinsGG, p.Cys307Gly (NM_001370118.2); c.960_961delinsGG, p.Cys321Gly (NM_001370119.2); c.1038_1039delCTinsGG, p.Cys347Gly (NM_001161482.1); c.783_784delinsGG, p.Cys262Gly (NM_001202465.3, NM_001370110.2); c.873_874delinsGG, p.Cys292Gly (NM_001202466.3, NM_001370111.2); c.987_988delinsGG, p.Cys330Gly (NM_001330057.3, NM_001370112.2); and 8 more; short protein forms C190G, C228G, C245G, C253G, C262G, C271G, C292G, C293G.
Identifiers: ClinVar variation 2581381 (VCV002581381.3), dbSNP rs2540007941, ClinGen allele CA2582342670.